The following is an entry in ClinVar:

ClinVar aggregate classification (germline): Pathogenic (1 of 4 stars; one submission).

gnomAD v4.1: 1 of 1,563,110 alleles (0.000064%); highest among the groups gnomAD compares: Non-Finnish European, 0.000087%; no homozygotes.

Submission:

Labcorp Genetics (formerly Invitae), Labcorp
Classification: Pathogenic. Last evaluated: 2026-01-02. Review status: criteria provided, single submitter. Criteria: Invitae Variant Classification Sherloc (09022015). Collection method: clinical testing. Allele origin: germline.
Comment: This sequence change creates a premature translational stop signal (p.Tyr387*) in the CAPN1 gene. It is expected to result in an absent or disrupted protein product. Loss-of-function variants in CAPN1 are known to be pathogenic (PMID: 27153400, 27320912). This variant is not present in population databases (gnomAD no frequency). This variant has not been reported in the literature in individuals affected with CAPN1-related conditions. For these reasons, this variant has been classified as Pathogenic.

Literature cited by the submitters: PubMed 27153400; PubMed 27320912.

NM_005186.4(CAPN1):c.1161C>G (p.Tyr387Ter)

Gene: CAPN1 (calpain 1; plus strand). Cytogenetic location: 11q13.1.
Variant type: single nucleotide variant.
Coding change: c.1161C>G on transcript NM_005186.4 (MANE Select); coding-DNA position 1161, C replaced by G.
Protein change: p.Tyr387Ter; replaces tyrosine 387 with a stop codon.
Molecular consequence: nonsense. On other transcripts: non-coding transcript variant (1).
Genome position (GRCh38, 1-based): chr11:65,188,742, C>G. VCF-style: chr11-65188742-C-G. GRCh37 (hg19) VCF-style: chr11-64956213-C-G.
Other names: c.1161C>G, p.Tyr387Ter (NM_001198868.2, NM_001198869.2); short protein forms Y387*.
Identifiers: ClinVar variation 4803277 (VCV004803277.1).